The following is an entry in ClinVar:

ClinVar aggregate classification (germline): Uncertain significance (1 of 4 stars; one submission).

Conditions:
Early Myoclonic Encephalopathy. Identifiers: MedGen C0270855.

Allele frequency attached by ClinVar (database versions not stated): ExAC 0.00001; gnomAD exomes below 0.00001 and 0.00001.
gnomAD v4.1: 1 of 1,613,812 alleles (0.000062%); highest among the groups gnomAD compares: Non-Finnish European, 0.000085%; no homozygotes.

Submission:

Labcorp Genetics (formerly Invitae), Labcorp
Classification: Uncertain significance for Early Myoclonic Encephalopathy. Last evaluated: 2022-08-23. Review status: criteria provided, single submitter. Criteria: Invitae Variant Classification Sherloc (09022015). Collection method: clinical testing. Allele origin: germline.
Comment: In summary, the available evidence is currently insufficient to determine the role of this variant in disease. Therefore, it has been classified as a Variant of Uncertain Significance. This sequence change replaces leucine, which is neutral and non-polar, with phenylalanine, which is neutral and non-polar, at codon 556 of the KCND2 protein (p.Leu556Phe). This variant is present in population databases (rs750068154, gnomAD 0.01%). This variant has not been reported in the literature in individuals affected with KCND2-related conditions. ClinVar contains an entry for this variant (Variation ID: 1447352). Advanced modeling of protein sequence and biophysical properties (such as structural, functional, and spatial information, amino acid conservation, physicochemical variation, residue mobility, and thermodynamic stability) performed at Invitae indicates that this missense variant is not expected to disrupt KCND2 protein function.

NM_012281.3(KCND2):c.1666C>T (p.Leu556Phe)

Gene: KCND2 (potassium voltage-gated channel subfamily D member 2; plus strand). Cytogenetic location: 7q31.31.
Variant type: single nucleotide variant.
Coding change: c.1666C>T on transcript NM_012281.3 (MANE Select); coding-DNA position 1666, C replaced by T.
Protein change: p.Leu556Phe; replaces leucine 556 with phenylalanine.
Molecular consequence: missense variant.
Genome position (GRCh38, 1-based): chr7:120,745,978, C>T. VCF-style: chr7-120745978-C-T. GRCh37 (hg19) VCF-style: chr7-120386032-C-T.
Other names: short protein forms L556F.
Identifiers: ClinVar variation 1447352 (VCV001447352.6), dbSNP rs750068154, ClinGen allele CA4453734.
Genomic context (GRCh38, chr7:120,745,978, plus strand): 5'-AAAACTTTTCGCATCCCAAATGCCAATGTATCAGGAAGCCATCAAGGTAGTATACAAGAA[C>T]TCAGCACGATTCAGATCAGATGTGTGGAGAGAACACCTCTGTCTAACAGGTACCTGAGAT-3'
Protein context (NP_036413.1, residues 546-566): SGSHQGSIQE[Leu556Phe]STIQIRCVER